The following is an entry in ClinVar:

ClinVar aggregate classification (germline): Uncertain significance. Review status: criteria provided, multiple submitters, no conflicts (2 of 4 stars). 4 submissions from 4 submitters: Uncertain significance (2). 2 of the submissions do not count toward it. Last evaluated 2025-11-15.

Conditions:
Hereditary cancer-predisposing syndrome. Also called: Tumor predisposition; Hereditary Cancer Syndrome; Neoplastic Syndromes, Hereditary; Hereditary neoplastic syndrome. Identifiers: Orphanet 140162, MedGen C0027672, MeSH D009386, MONDO:0015356.
Gorlin syndrome. Also called: Nevoid Basal Cell Carcinoma Syndrome; Basal cell nevus syndrome. Identifiers: Orphanet 377, MedGen C0004779, MONDO:0007187.

Allele frequency attached by ClinVar (database versions not stated): gnomAD exomes below 0.00001 and 0.00001.
gnomAD v4.1: 3 of 1,614,220 alleles (0.00019%); highest among the groups gnomAD compares: Non-Finnish European, 0.00025%; no homozygotes.

Submissions (4):

Ambry Genetics
Classification: Uncertain significance for Hereditary cancer-predisposing syndrome. Last evaluated: 2025-11-15. Review status: criteria provided, single submitter. Criteria: Ambry Variant Classification Scheme 2023. Collection method: clinical testing. Allele origin: germline.
Comment: The p.G866E variant (also known as c.2597G>A), located in coding exon 16 of the PTCH1 gene, results from a G to A substitution at nucleotide position 2597. The glycine at codon 866 is replaced by glutamic acid, an amino acid with similar properties. This alteration was identified in a cohort of long-term pancreatic cancer survivors from the Czech Republic (Lovecek M et al. Cancer Manag Res, 2019 Jan;11:599-609). This amino acid position is highly conserved in available vertebrate species. In addition, this alteration is predicted to be deleterious by in silico analysis. Since supporting evidence is limited at this time, the clinical significance of this alteration remains unclear.

Labcorp Genetics (formerly Invitae), Labcorp
Classification: Uncertain significance for Gorlin syndrome. Last evaluated: 2024-07-22. Review status: criteria provided, single submitter. Criteria: Invitae Variant Classification Sherloc (09022015). Collection method: clinical testing. Allele origin: germline.
Comment: This sequence change replaces glycine, which is neutral and non-polar, with glutamic acid, which is acidic and polar, at codon 866 of the PTCH1 protein (p.Gly866Glu). This variant is present in population databases (no rsID available, gnomAD 0.0009%). This variant has not been reported in the literature in individuals affected with PTCH1-related conditions. ClinVar contains an entry for this variant (Variation ID: 216377). Advanced modeling of protein sequence and biophysical properties (such as structural, functional, and spatial information, amino acid conservation, physicochemical variation, residue mobility, and thermodynamic stability) has been performed at Invitae for this missense variant, however the output from this modeling did not meet the statistical confidence thresholds required to predict the impact of this variant on PTCH1 protein function. In summary, the available evidence is currently insufficient to determine the role of this variant in disease. Therefore, it has been classified as a Variant of Uncertain Significance.

Diagnostic Laboratory, Department of Genetics, University Medical Center Groningen
Classification: Uncertain significance. Review status: no assertion criteria provided. Collection method: clinical testing. Allele origin: germline. Affected: yes. Study: VKGL Data-share Consensus. Not counted in ClinVar's aggregate classification.

Joint Genome Diagnostic Labs from Nijmegen and Maastricht, Radboudumc and MUMC+
Classification: Uncertain significance. Review status: no assertion criteria provided. Collection method: clinical testing. Allele origin: germline. Affected: yes. Study: VKGL Data-share Consensus. Not counted in ClinVar's aggregate classification.

Literature cited by the submitters: PubMed 30666157 (cited by Ambry Genetics).

NM_000264.5(PTCH1):c.2597G>A (p.Gly866Glu)

Gene: PTCH1 (patched 1; minus strand). Cytogenetic location: 9q22.32.
Variant type: single nucleotide variant.
Coding change: c.2597G>A on transcript NM_000264.5 (MANE Select); coding-DNA position 2597, G replaced by A.
Protein change: p.Gly866Glu; replaces glycine 866 with glutamic acid.
Molecular consequence: missense variant. On other transcripts: non-coding transcript variant (1).
Genome position (GRCh38, 1-based): chr9:95,461,962, C>T on the plus strand (G>A on the coding strand, the complement: PTCH1 is on the minus strand). VCF-style: chr9-95461962-C-T. GRCh37 (hg19) VCF-style: chr9-98224244-C-T.
Other names: c.2399G>A, p.Gly800Glu (NM_001083602.3); c.2594G>A, p.Gly865Glu (NM_001083603.3); c.2144G>A, p.Gly715Glu (NM_001083604.3, NM_001083605.3, NM_001083606.3 and 1 more transcripts); c.2441G>A, p.Gly814Glu (NM_001354918.2); short protein forms G800E, G866E, G715E, G814E, G865E.
Identifiers: ClinVar variation 216377 (VCV000216377.21), dbSNP rs863224651, ClinGen allele CA337324.